The following is an entry in ClinVar:

ClinVar aggregate classification (germline): Pathogenic (1 of 4 stars; one submission).

Submission:

Labcorp Genetics (formerly Invitae), Labcorp
Classification: Pathogenic. Last evaluated: 2024-06-05. Review status: criteria provided, single submitter. Criteria: Invitae Variant Classification Sherloc (09022015). Collection method: clinical testing. Allele origin: germline.
Comment: This sequence change creates a premature translational stop signal (p.Gln358Alafs*19) in the NONO gene. It is expected to result in an absent or disrupted protein product. Loss-of-function variants in NONO are known to be pathogenic (PMID: 31883306). This variant is not present in population databases (gnomAD no frequency). This variant has not been reported in the literature in individuals affected with NONO-related conditions. For these reasons, this variant has been classified as Pathogenic.

Literature cited by the submitters: PubMed 31883306.

NM_007363.5(NONO):c.1071dup (p.Gln358fs)

Gene: NONO (non-POU domain containing octamer binding; plus strand). Cytogenetic location: Xq13.1.
Variant type: Duplication.
Coding change: c.1071dup on transcript NM_007363.5 (MANE Select); coding-DNA position 1071, one base duplicated (G; older notation c.1071dupG).
Protein change: p.Gln358fs; shifts the reading frame from glutamine 358.
Molecular consequence: frameshift variant.
Genome position (GRCh38, 1-based): chrX:71,297,878, G duplicated; the last of 2 consecutive G bases (chrX:71,297,877-71,297,878); duplicating either gives the same sequence. VCF-style (leftmost placement, unchanged base first): chrX-71297876-C-CG. GRCh37 (hg19) VCF-style: chrX-70517726-C-CG.
Other names: c.1071dup, p.Gln358fs (NM_001145408.2, NM_001145409.2); c.804dup, p.Gln269fs (NM_001145410.2); short protein forms Q269fs, Q358fs.
Identifiers: ClinVar variation 3655631 (VCV003655631.2).